The following is an entry in ClinVar:

ClinVar aggregate classification (germline): Uncertain significance. Review status: criteria provided, multiple submitters, no conflicts (2 of 4 stars). 3 submissions from 3 submitters: Uncertain significance (3). Last evaluated 2025-06-11.

Conditions:
Cardiovascular phenotype. Identifiers: MedGen CN230736.
Myofibrillar myopathy 5. Also called: Filaminopathy (type); FILAMINOPATHY, AUTOSOMAL DOMINANT. Identifiers: Orphanet 171445, MedGen C1836050, MONDO:0012289, OMIM 609524.
Hypertrophic cardiomyopathy 26. Also called: Cardiomyopathy, familial hypertrophic, 26. Identifiers: Orphanet 75249, MedGen C4310749, MONDO:0014883, OMIM 617047.
Distal myopathy with posterior leg and anterior hand involvement. Also called: WILLIAMS DISTAL MYOPATHY. Identifiers: Orphanet 63273, MedGen C3279722, MONDO:0013550, OMIM 614065.

Allele frequency attached by ClinVar (database versions not stated): gnomAD exomes below 0.00001; TOPMed below 0.00001; gnomAD 0.00001.
gnomAD v4.1: 5 of 1,614,052 alleles (0.00031%); highest among the groups gnomAD compares: Non-Finnish European, 0.00042%; no homozygotes.

Submissions (3):

GeneDx
Classification: Uncertain significance. Last evaluated: 2025-06-11. Review status: criteria provided, single submitter. Criteria: GeneDx Variant Classification Process June 2021. Collection method: clinical testing. Allele origin: germline. Affected: yes.
Comment: Not observed at significant frequency in large population cohorts (gnomAD); In silico analysis supports that this missense variant has a deleterious effect on protein structure/function; Has not been previously published as pathogenic or benign to our knowledge

Labcorp Genetics (formerly Invitae), Labcorp
Classification: Uncertain significance for Distal myopathy with posterior leg and anterior hand involvement; Myofibrillar myopathy 5; Hypertrophic cardiomyopathy 26. Last evaluated: 2024-05-29. Review status: criteria provided, single submitter. Criteria: Invitae Variant Classification Sherloc (09022015). Collection method: clinical testing. Allele origin: germline.
Comment: This sequence change replaces valine, which is neutral and non-polar, with leucine, which is neutral and non-polar, at codon 980 of the FLNC protein (p.Val980Leu). This variant is present in population databases (rs770906260, gnomAD 0.002%). This variant has not been reported in the literature in individuals affected with FLNC-related conditions. ClinVar contains an entry for this variant (Variation ID: 2176517). Advanced modeling of protein sequence and biophysical properties (such as structural, functional, and spatial information, amino acid conservation, physicochemical variation, residue mobility, and thermodynamic stability) has been performed at Invitae for this missense variant, however the output from this modeling did not meet the statistical confidence thresholds required to predict the impact of this variant on FLNC protein function. In summary, the available evidence is currently insufficient to determine the role of this variant in disease. Therefore, it has been classified as a Variant of Uncertain Significance.

Ambry Genetics
Classification: Uncertain significance for Cardiovascular phenotype. Last evaluated: 2023-11-09. Review status: criteria provided, single submitter. Criteria: Ambry Variant Classification Scheme 2023. Collection method: clinical testing. Allele origin: germline.
Comment: The p.V980L variant (also known as c.2938G>C), located in coding exon 20 of the FLNC gene, results from a G to C substitution at nucleotide position 2938. The valine at codon 980 is replaced by leucine, an amino acid with highly similar properties. This amino acid position is conserved. In addition, this alteration is predicted to be deleterious by in silico analysis. Since supporting evidence is limited at this time, the clinical significance of this alteration remains unclear.

NM_001458.5(FLNC):c.2938G>C (p.Val980Leu)

Gene: FLNC (filamin C; plus strand). Cytogenetic location: 7q32.1.
Variant type: single nucleotide variant.
Coding change: c.2938G>C on transcript NM_001458.5 (MANE Select); coding-DNA position 2938, G replaced by C.
Protein change: p.Val980Leu; replaces valine 980 with leucine.
Molecular consequence: missense variant.
Genome position (GRCh38, 1-based): chr7:128,844,012, G>C. VCF-style: chr7-128844012-G-C. GRCh37 (hg19) VCF-style: chr7-128484066-G-C.
Other names: c.2938G>C, p.Val980Leu (NM_001127487.2); short protein forms V980L.
Identifiers: ClinVar variation 2176517 (VCV002176517.6), dbSNP rs770906260, ClinGen allele CA4474923.